The following is an entry in ClinVar:

NM_000143.4(FH):c.1210G>T (p.Glu404Ter)

Gene: FH (fumarate hydratase; minus strand). Cytogenetic location: 1q43.
Variant type: single nucleotide variant.
Coding change: c.1210G>T on transcript NM_000143.4 (MANE Select); coding-DNA position 1210, G replaced by T.
Protein change: p.Glu404Ter; replaces glutamic acid 404 with a stop codon.
Molecular consequence: nonsense.
Genome position (GRCh38, 1-based): chr1:241,502,469, C>A on the plus strand (G>T on the coding strand, the complement: FH is on the minus strand). VCF-style: chr1-241502469-C-A. GRCh37 (hg19) VCF-style: chr1-241665769-C-A.
Identifiers: ClinVar variation 208375 (VCV000208375.20), dbSNP rs797044974, ClinGen allele CA347361.

ClinVar aggregate classification (germline): Pathogenic. Review status: criteria provided, multiple submitters, no conflicts (2 of 4 stars). 7 submissions from 7 submitters: Pathogenic (2). 5 of the submissions do not count toward it. Last evaluated 2025-09-06.

Conditions:
Hereditary cancer-predisposing syndrome. Also called: Hereditary Cancer Syndrome; Tumor predisposition; Neoplastic Syndromes, Hereditary; Hereditary neoplastic syndrome. Identifiers: Orphanet 140162, MedGen C0027672, MeSH D009386, MONDO:0015356.
Hereditary leiomyomatosis and renal cell cancer. Also called: Familial leiomyomatosis; Multiple cutaneous leiomyomas; MULTIPLE CUTANEOUS AND UTERINE LEIOMYOMATA 1, WITH OR WITHOUT RENAL CELL CARCINOMA; Reed syndrome; Multiple cutaneous and uterine leiomyomatosis; Cutaneous leiomyomata with uterine leiomyomata. Identifiers: Orphanet 523, MedGen C1708350, MONDO:0007888, OMIM 150800, HP:0007437. Disease mechanism: loss of function.

Allele frequency attached by ClinVar (database versions not stated): gnomAD exomes below 0.00001.

Submissions (7):

Ambry Genetics
Classification: Pathogenic for Hereditary cancer-predisposing syndrome. Last evaluated: 2025-09-06. Review status: criteria provided, single submitter. Criteria: Ambry Variant Classification Scheme 2023. Collection method: clinical testing. Allele origin: germline.
Comment: The p.E404* pathogenic mutation (also known as c.1210G>T), located in coding exon 8 of the FH gene, results from a G to T substitution at nucleotide position 1210. This changes the amino acid from a glutamic acid to a stop codon within coding exon 8. This variant was reported in individual(s) with features consistent with FH-related tumor predisposition (Smit DL et al. Clin Genet, 2011 Jan;79:49-59; Ambry internal data). This alteration is expected to result in loss of function by premature protein truncation or nonsense-mediated mRNA decay. As such, this alteration is interpreted as a disease-causing mutation.

Labcorp Genetics (formerly Invitae), Labcorp
Classification: Pathogenic. Last evaluated: 2023-09-27. Review status: criteria provided, single submitter. Criteria: Invitae Variant Classification Sherloc (09022015). Collection method: clinical testing. Allele origin: germline.
Comment: For these reasons, this variant has been classified as Pathogenic. ClinVar contains an entry for this variant (Variation ID: 208375). This premature translational stop signal has been observed in individual(s) with hereditary leiomyomatosis (PMID: 16881969, 20618355). This variant is present in population databases (rs797044974, gnomAD 0.0009%). This sequence change creates a premature translational stop signal (p.Glu404*) in the FH gene. It is expected to result in an absent or disrupted protein product. Loss-of-function variants in FH are known to be pathogenic (PMID: 11865300, 21398687).

Clinical Genetics DNA and cytogenetics Diagnostics Lab, Erasmus MC, Erasmus Medical Center
Classification: Pathogenic. Review status: no assertion criteria provided. Collection method: clinical testing. Allele origin: germline. Affected: yes. Study: VKGL Data-share Consensus. Not counted in ClinVar's aggregate classification.

GeneReviews
No classification provided. Condition: Hereditary leiomyomatosis and renal cell cancer. Review status: no classification provided. Collection method: literature only. Allele origin: germline. Affected: yes. Not counted in ClinVar's aggregate classification.

Genome Diagnostics Laboratory, Amsterdam University Medical Center
Classification: Pathogenic. Review status: no assertion criteria provided. Collection method: clinical testing. Allele origin: germline. Affected: yes. Study: VKGL Data-share Consensus. Not counted in ClinVar's aggregate classification.

Genome Diagnostics Laboratory, University Medical Center Utrecht
Classification: Pathogenic. Review status: no assertion criteria provided. Collection method: clinical testing. Allele origin: germline. Affected: yes. Study: VKGL Data-share Consensus. Not counted in ClinVar's aggregate classification.

Joint Genome Diagnostic Labs from Nijmegen and Maastricht, Radboudumc and MUMC+
Classification: Pathogenic. Review status: no assertion criteria provided. Collection method: clinical testing. Allele origin: germline. Affected: yes. Study: VKGL Data-share Consensus. Not counted in ClinVar's aggregate classification.

Literature cited by the submitters: PubMed 20618355 (cited by Ambry Genetics and Labcorp Genetics (formerly Invitae), Labcorp); PubMed 16881969 (cited by Labcorp Genetics (formerly Invitae), Labcorp); PubMed 11865300 (cited by Labcorp Genetics (formerly Invitae), Labcorp); PubMed 21398687 (cited by Labcorp Genetics (formerly Invitae), Labcorp); NCBI Bookshelf NBK1252 (cited by GeneReviews).